The following is an entry in ClinVar:

ClinVar aggregate classification (germline): Benign. Review status: criteria provided, single submitter (1 of 4 stars). 2 submissions from 2 submitters: Benign (1). 1 of the submissions does not count toward it. Last evaluated 2018-04-07.

Conditions:
BCORL1-related disorder. Also called: BCORL1-related condition.

Allele frequency attached by ClinVar (database versions not stated): ESP Exome Variant Server 0.00019; gnomAD 0.00030 and 0.00058; TOPMed 0.00046; gnomAD exomes 0.00082 and 0.00162; ExAC 0.00180; 1000 Genomes Project 30x 0.00271; 1000 Genomes Project 0.00318.

Submissions (2):

Labcorp Genetics (formerly Invitae), Labcorp
Classification: Benign. Last evaluated: 2018-04-07. Review status: criteria provided, single submitter. Criteria: Invitae Variant Classification Sherloc (09022015). Collection method: clinical testing. Allele origin: germline.

PreventionGenetics, part of Exact Sciences
Classification: Benign for BCORL1-related condition. Last evaluated: 2019-04-25. Review status: no assertion criteria provided. Collection method: clinical testing. Allele origin: germline. Not counted in ClinVar's aggregate classification.
Comment: This variant is classified as benign based on ACMG/AMP sequence variant interpretation guidelines (Richards et al. 2015 PMID: 25741868, with internal and published modifications).

NM_001379451.1(BCORL1):c.3363C>T (p.Cys1121=)

Gene: BCORL1 (BCL6 corepressor like 1; plus strand). Cytogenetic location: Xq26.1.
Variant type: single nucleotide variant.
Coding change: c.3363C>T on transcript NM_001379451.1 (MANE Select); coding-DNA position 3363, C replaced by T.
Protein change: p.Cys1121=; no amino-acid change (cysteine 1121 retained).
Molecular consequence: synonymous variant.
Genome position (GRCh38, 1-based): chrX:130,016,135, C>T. VCF-style: chrX-130016135-C-T. GRCh37 (hg19) VCF-style: chrX-129150111-C-T.
Other names: c.3363C>T, p.Cys1121= (NM_001184772.3, NM_001379450.1, NM_021946.5).
Identifiers: ClinVar variation 733409 (VCV000733409.5), dbSNP rs148695728, ClinGen allele CA10514483.
Genomic context (GRCh38, chrX:130,016,135, plus strand): 5'-CAAGAACAAGTGGCAGCCAGATGATGTGACGGAATCTCTGCCGCCCAAGAAGATGAAGTG[C>T]GGCAAAGAGAAGGACAGTGAAGAGCAGCAGCTCCAGCCACAAGCCAAGGCCGTGGTCCGG-3'
Protein context (NP_001366380.1, residues 1111-1131): TESLPPKKMK[Cys1121=]GKEKDSEEQQ